The following is an entry in ClinVar:

ClinVar aggregate classification (germline): Likely benign. Review status: criteria provided, multiple submitters, no conflicts (2 of 4 stars). 2 submissions from 2 submitters: Likely benign (2). Last evaluated 2025-12-15.

Conditions:
Collagen 6-related myopathy. Identifiers: MedGen CN117976, MONDO:0100225.
Bethlem myopathy 1A. Also called: MYOPATHY, BENIGN CONGENITAL, WITH CONTRACTURES; Bethlem myopathy 1; Bethlem Muscular Dystrophy. Identifiers: Orphanet 610, MedGen CN029274, MONDO:0024530, OMIM 158810.

Allele frequency attached by ClinVar (database versions not stated): TOPMed 0.00002; ExAC 0.00003; gnomAD 0.00003; gnomAD exomes 0.00003 and 0.00004; ESP Exome Variant Server 0.00008.
gnomAD v4.1: 68 of 1,612,530 alleles (0.0042%); highest among the groups gnomAD compares: Non-Finnish European, 0.0053%; no homozygotes.

Submissions (2):

Labcorp Genetics (formerly Invitae), Labcorp
Classification: Likely benign for Bethlem myopathy 1A. Last evaluated: 2025-12-15. Review status: criteria provided, single submitter. Criteria: Invitae Variant Classification Sherloc (09022015). Collection method: clinical testing. Allele origin: germline.

Illumina Laboratory Services, Illumina
Classification: Likely benign for Collagen VI-related myopathy. Last evaluated: 2018-01-13. Review status: criteria provided, single submitter. Criteria: ICSL Variant Classification Criteria 13 December 2019. Collection method: clinical testing. Allele origin: germline.
Comment: This variant was observed in the ICSL laboratory as part of a predisposition screen in an ostensibly healthy population. It had not been previously curated by ICSL or reported in the Human Gene Mutation Database (HGMD: prior to June 1st, 2018), and was therefore a candidate for classification through an automated scoring system. Utilizing variant allele frequency, disease prevalence and penetrance estimates, and inheritance mode, an automated score was calculated to assess if this variant is too frequent to cause the disease. Based on the score and internal cut-off values, a variant classified as likely benign is not then subjected to further curation. The score for this variant resulted in a classification of likely benign for this disease.

NM_001849.4(COL6A2):c.1522-7C>T

Gene: COL6A2 (collagen type VI alpha 2 chain; plus strand). Cytogenetic location: 21q22.3.
Variant type: single nucleotide variant.
Coding change: c.1522-7C>T on transcript NM_001849.4 (MANE Select); 7 bases into the intron before coding-DNA position 1522, C replaced by T.
Molecular consequence: intron variant.
Genome position (GRCh38, 1-based): chr21:46,122,101, C>T. VCF-style: chr21-46122101-C-T. GRCh37 (hg19) VCF-style: chr21-47542015-C-T.
Other names: c.1522-7C>T (NM_058175.3, NM_058174.3).
Identifiers: ClinVar variation 898007 (VCV000898007.11), dbSNP rs200501842, ClinGen allele CA10071963.
Genomic context (GRCh38, chr21:46,122,101, plus strand): 5'-TTGAGCACAGCCCCCCAGCCCCACCCCGTCCTATGACCATGCTGACCGACTCAACGTCCT[C>T]CTCCAGGGAGACCCCGGCAGGCCTGGATTCAGCTACCCAGGACCCCGAGGAGCACCCGTG-3'